The following is an entry in ClinVar:

NM_016151.4(TAOK2):c.2606_2607inv (p.Thr869Met)

Gene: TAOK2 (TAO kinase 2; plus strand). Cytogenetic location: 16p11.2.
Variant type: Inversion.
Coding change: c.2606_2607inv on transcript NM_016151.4 (MANE Select).
Protein change: p.Thr869Met; replaces threonine 869 with methionine.
Molecular consequence: missense variant. On other transcripts: intron variant (1).
Genome position: GRCh38 VCF-style: chr16-29986878-CA-TG. GRCh37 (hg19) VCF-style: chr16-29998199-CA-TG.
Other names: c.2267_2268inv, p.Thr756Met (NM_001252043.2); c.2232+374_2232+375inv (NM_004783.4); short protein forms T756M, T869M.
Identifiers: ClinVar variation 2160696 (VCV002160696.4), ClinGen allele CA2580091469.

ClinVar aggregate classification (germline): Uncertain significance (1 of 4 stars; one submission).

Submission:

Labcorp Genetics (formerly Invitae), Labcorp
Classification: Uncertain significance. Last evaluated: 2025-10-14. Review status: criteria provided, single submitter. Criteria: Invitae Variant Classification Sherloc (09022015). Collection method: clinical testing. Allele origin: germline.
Comment: This sequence change replaces threonine, which is neutral and polar, with methionine, which is neutral and non-polar, at codon 869 of the TAOK2 protein (p.Thr869Met). This variant is present in population databases (no rsID available, gnomAD 0.002%). This variant has not been reported in the literature in individuals affected with TAOK2-related conditions. ClinVar contains an entry for this variant (Variation ID: 2160696). An algorithm developed to predict the effect of missense changes on protein structure and function (PolyPhen-2) suggests that this variant is likely to be tolerated. In summary, the available evidence is currently insufficient to determine the role of this variant in disease. Therefore, it has been classified as a Variant of Uncertain Significance.